The following is an entry in ClinVar:

ClinVar aggregate classification (germline): Pathogenic. Review status: criteria provided, multiple submitters, no conflicts (2 of 4 stars). 14 submissions from 14 submitters: Pathogenic (12). 2 of the submissions do not count toward it. Last evaluated 2025-07-24.

Conditions:
CFTR-related disorder (CFTR-RD). Also called: CFTR-related condition; CFTR-related disorders. Identifiers: MedGen C5924204, MONDO:7770004.
Congenital bilateral aplasia of vas deferens from CFTR mutation (CBAVD). Identifiers: Orphanet 48, MedGen C0403814, MONDO:0010178, OMIM 277180. Disease mechanism: loss of function.
Cystic fibrosis (CF). Also called: MUCOVISCIDOSIS. Identifiers: Orphanet 586, MedGen C0010674, MONDO:0009061, OMIM 219700. Disease mechanism: loss of function.
Bronchiectasis with or without elevated sweat chloride 1 (BESC1). Also called: Cystic Fibrosis-Like Syndrome. Identifiers: Orphanet 60033, MedGen C2749757, MONDO:0008887, OMIM 211400.
Hereditary pancreatitis (PCTT). Also called: PRSS1-Related Hereditary Pancreatitis; Hereditary chronic pancreatitis. Identifiers: Orphanet 676, MedGen C0238339, MONDO:0008185, OMIM 167800.

Allele frequency attached by ClinVar (database versions not stated): ExAC 0.00002; gnomAD exomes 0.00001.

Submissions (14):

Natera, Inc.
Classification: Pathogenic for CFTR-related disorders. Last evaluated: 2025-07-24. Review status: criteria provided, single submitter. Criteria: Natera Variant Classification Schema (03/2026). Collection method: clinical testing. Allele origin: germline.
Comment: The c.2T>C variant in CFTR is predicted to result in start loss due to disruption of the initiator methionine. This variant is expected to result in nonsense mediated decay, truncation, or a dysfunctional protein product. This variant is rare in the general population with a frequency below the threshold expected for the associated phenotype(s). This variant has been observed in one or more individuals affected with the associated recessive disease, as either homozygous or compound heterozygous with a second variant (PMID: 27086061). Given the available evidence, this variant is classified as Pathogenic.

First Genomix Gene Laboratory, Genetic Diagnostics Department
Classification: Pathogenic for Congenital bilateral aplasia of vas deferens from CFTR mutation; Cystic fibrosis. Last evaluated: 2025-03-20. Review status: criteria provided, single submitter. Criteria: ACMG Guidelines, 2015. Collection method: clinical testing. Allele origin: germline. Inheritance: Autosomal recessive inheritance. Affected: no. Observed: 1 variant allele.

Women's Health and Genetics/Laboratory Corporation of America, LabCorp
Classification: Pathogenic for Cystic fibrosis. Last evaluated: 2024-12-18. Review status: criteria provided, single submitter. Criteria: LabCorp Variant Classification Summary - May 2015. Collection method: clinical testing. Allele origin: germline.
Comment: Variant summary: CFTR c.2T>C (p.Met1Thr) alters the initiation codon and is predicted to result either in absence of the protein or truncation of the encoded protein due to translation initiation at a downstream codon. The next in-frame methionine is located at codon 82 Three of four in-silico tools predict a damaging effect of the variant on protein function. The variant allele was found at a frequency of 8e-06 in 251170 control chromosomes. c.2T>C has been reported in the literature in multiple bi-allelic individuals affected with Cystic Fibrosis (example: Waheed_2024). These data indicate that the variant is very likely to be associated with disease. The following publication has been ascertained in the context of this evaluation (PMID: 38662334). ClinVar contains an entry for this variant (Variation ID: 53622). Based on the evidence outlined above, the variant was classified as pathogenic.

Labcorp Genetics (formerly Invitae), Labcorp
Classification: Pathogenic for Cystic fibrosis. Last evaluated: 2023-11-17. Review status: criteria provided, single submitter. Criteria: Invitae Variant Classification Sherloc (09022015). Collection method: clinical testing. Allele origin: germline.
Comment: This sequence change affects the initiator methionine of the CFTR mRNA. The next in-frame methionine is located at codon 82. This variant is present in population databases (rs397508476, gnomAD 0.006%). Disruption of the initiator codon has been observed in individual(s) with cystic fibrosis (PMID: 22299590, 27086061). This variant is also known as 134T>C; p.M1T. ClinVar contains an entry for this variant (Variation ID: 53622). For these reasons, this variant has been classified as Pathogenic.

Ambry Genetics
Classification: Pathogenic for Cystic fibrosis. Last evaluated: 2023-10-02. Review status: criteria provided, single submitter. Criteria: Ambry Variant Classification Scheme 2023. Collection method: clinical testing. Allele origin: germline.
Comment: The p.M1? pathogenic mutation (also known as c.2T>C) is located in coding exon 1 of the CFTR gene and results from a T to C substitution at nucleotide position 2. This alters the methionine residue at the initiation codon (ATG). This mutation has been reported in individuals with cystic fibrosis who had a second disease-causing variant (Bienvenu T et al. Hum. Biol., 2005 Oct;77:705-14; Gaitch N et al. Pancreatology Apr;16:515-22). Another alteration at the same codon, p.M1? (c.1A>G), has been reported in individuals with cystic fibrosis and CFTR-related disorders and shown to reduce CFTR function in vitro (des Georges M et al. J. Cyst. Fibros., 2004 Dec;3:265-72; Steiner B et al. Hum. Mutat., 2011 Aug;32:912-20; Sosnay PR et al. Nat. Genet., 2013 Oct;45:1160-7; Van Goor F et al. J. Cyst. Fibros., 2014 Jan;13:29-36). In addition to the clinical data presented in the literature, sequence variations that modify the initiation codon are expected to result in either loss of translation initiation, N-terminal truncation, or cause a shift in the mRNA reading frame. Based on the supporting evidence, this alteration is interpreted as a disease-causing mutation.

Quest Diagnostics Nichols Institute San Juan Capistrano
Classification: Pathogenic. Last evaluated: 2023-08-03. Review status: criteria provided, single submitter. Criteria: Quest Diagnostics criteria. Collection method: clinical testing. Allele origin: unknown.
Comment: The CFTR c.2T>C variant disrupts the translation initiation codon of the CFTR mRNA and is predicted to interfere with CFTR protein synthesis. This variant has been reported in the published literature in individuals with cystic fibrosis (PMID: 16596947 (2005), 16436643 (2006), 19910674 (2009), 22299590 (2012), 27086061(2016)). Published functional studies showed that truncated CFTR protein produced due to downstream alternate start codons had reduced stability and reduced chloride channel activity (PMID: 19910674 (2009)). The frequency of this variant in the general population, 0.000008 (2/251170 chromosomes (Genome Aggregation Database)), is uninformative in the assessment of its pathogenicity. Based on the available information, this variant is classified as pathogenic.

Fulgent Genetics
Classification: Pathogenic for Hereditary pancreatitis; Bronchiectasis with or without elevated sweat chloride 1; Cystic fibrosis; Congenital bilateral aplasia of vas deferens from CFTR mutation. Last evaluated: 2022-03-29. Review status: criteria provided, single submitter. Criteria: ACMG Guidelines, 2015. Collection method: clinical testing. Allele origin: unknown.

CFTR-France
Classification: Pathogenic for cystic fibrosis. Last evaluated: 2018-01-29. Review status: criteria provided, single submitter. Criteria: Claustres M et al. (Hum Mutat 2017). Collection method: curation. Allele origin: germline. Affected: yes.

Arcensus
Classification: Pathogenic for Cystic fibrosis. Last evaluated: 2013-02-01. Review status: criteria provided, single submitter. Criteria: ACMG Guidelines, 2015. Collection method: clinical testing. Allele origin: germline. Affected: yes.

Kasturba Medical College, Manipal, Kasturba Medical College, Manipal, Manipal Academy of Higher Education, Manipal, India
Classification: Pathogenic for Cystic fibrosis. Review status: criteria provided, single submitter. Criteria: ACMG Guidelines, 2015. Collection method: clinical testing. Allele origin: germline. Affected: yes.

Lifecell International Pvt. Ltd
Classification: Pathogenic for Cystic fibrosis. Review status: criteria provided, single submitter. Criteria: ACMG Guidelines, 2015. Collection method: clinical testing. Allele origin: germline. Inheritance: Autosomal recessive inheritance. Affected: yes. Observed: 1 compound heterozygote.
Comment: A Heterozygous Start lost variant c.2T>C in Exon 1 of the CFTR gene that results in the amino acid substitution p.Met1? was identified. The observed variant has a minor allele frequency of 0.00001 and novel in gnomAD exomes and genomes, respectively. The severity of the impact of this variant on the protein is medium, based on the effect of the protein and REVEL score . Rare Exome Variant Ensemble Learner (REVEL) is an ensembl method for predicting the pathogenicity of missense variants based on a combination of scores from 13 individual tools: MutPred, FATHMM v2.3, VEST 3.0, PolyPhen-2, SIFT, PROVEAN, MutationAssessor, MutationTaster, LRT, GERP++, SiPhy, phyloP, and phastCons. The REVEL score for an individual missense variant can range from 0 to 1, with higher scores reflecting greater likelihood that the variant is disease-causing. ClinVar has also classified this variant as Pathogenic/ Likely Pathogenic (Variant ID: 53622). This alteration has been reported in individuals with cystic fibrosis (Bienvenu T et al. 2005). Based on the above evidence this variant has been classified as Pathogenic according to the ACMG guidelines.

Suma Genomics
Classification: Pathogenic for Congenital bilateral aplasia of vas deferens from CFTR mutation; Cystic fibrosis. Review status: criteria provided, single submitter. Criteria: ACMG Guidelines, 2015. Collection method: clinical testing. Allele origin: inherited. Inheritance: Autosomal recessive inheritance. Affected: yes.

PreventionGenetics, part of Exact Sciences
Classification: Pathogenic for CFTR-related condition. Last evaluated: 2024-02-21. Review status: no assertion criteria provided. Collection method: clinical testing. Allele origin: germline. Not counted in ClinVar's aggregate classification.
Comment: The CFTR c.2T>C variant is predicted to disrupt the translation initiation site (Start Loss). The c.2T>C variant (also known as c.134T>C in the literature) has been reported to be causative for CFTR-related disorders (Bienvenu et al. 2005. PubMed ID: 16596947; Elahi et al. 2006. PubMed ID: 16436643; Sachdeva et al. 2012. PubMed ID: 22299590). This variant is reported in 0.0065% of alleles in individuals of South Asian descent in gnomAD. Similar variants affecting the consensus start codon (c.1A>G, c.2T>A, c.3G>A, and c.3G>T) have also been reported in patients with cystic fibrosis (Human Gene Mutation Database). This variant is interpreted as pathogenic.

Counsyl
Classification: Likely pathogenic for Cystic fibrosis. Last evaluated: 2014-07-23. Review status: no assertion criteria provided. Collection method: literature only. Allele origin: unknown. Inheritance: Autosomal recessive inheritance. Not counted in ClinVar's aggregate classification.

Literature cited by the submitters: PubMed 27086061 (cited by 4 submitters); PubMed 38662334 (cited by Women's Health and Genetics/Laboratory Corporation of America, LabCorp); PubMed 22299590 (cited by 3 submitters); PubMed 15698946 (cited by Ambry Genetics); PubMed 16596947 (cited by 3 submitters); PubMed 21520337 (cited by Ambry Genetics); PubMed 23891399 (cited by Ambry Genetics); PubMed 23974870 (cited by Ambry Genetics); PubMed 7538127 (cited by Quest Diagnostics Nichols Institute San Juan Capistrano); PubMed 19910674 (cited by Quest Diagnostics Nichols Institute San Juan Capistrano); PubMed 16436643 (cited by Quest Diagnostics Nichols Institute San Juan Capistrano and Counsyl); PubMed 15367921 (cited by Lifecell International Pvt. Ltd).

NM_000492.4(CFTR):c.2T>C (p.Met1Thr)

Gene: CFTR (CF transmembrane conductance regulator; plus strand). Cytogenetic location: 7q31.2.
Variant type: single nucleotide variant.
Coding change: c.2T>C on transcript NM_000492.4 (MANE Select); coding-DNA position 2, T replaced by C.
Protein change: p.Met1Thr; changes the start codon (methionine 1).
Molecular consequence: missense variant, initiator codon variant.
Genome position (GRCh38, 1-based): chr7:117,480,096, T>C. VCF-style: chr7-117480096-T-C. GRCh37 (hg19) VCF-style: chr7-117120150-T-C.
Other names: short protein forms M1T.
Identifiers: ClinVar variation 53622 (VCV000053622.43), dbSNP rs397508476, ClinGen allele CA327005.